The following is an entry in ClinVar:

NM_001035.3(RYR2):c.12273G>A (p.Ala4091=)

Gene: RYR2 (ryanodine receptor 2; plus strand). Cytogenetic location: 1q43.
Variant type: single nucleotide variant.
Coding change: c.12273G>A on transcript NM_001035.3 (MANE Select); coding-DNA position 12273, G replaced by A.
Protein change: p.Ala4091=; no amino-acid change (alanine 4091 retained).
Molecular consequence: synonymous variant.
Genome position (GRCh38, 1-based): chr1:237,783,985, G>A. VCF-style: chr1-237783985-G-A. GRCh37 (hg19) VCF-style: chr1-237947285-G-A.
Other names: c.12273G>A, p.Ala4091= (LRG_402t1).
Identifiers: ClinVar variation 412816 (VCV000412816.17), dbSNP rs966083978, ClinGen allele CA16610025.
Genomic context (GRCh38, chr1:237,783,985, plus strand): 5'-GACGGATGAGAATGAAACCCTCGACTACGAAGAGTTCGTCAAACGCTTCCACGAACCTGC[G>A]AAGGACATCGGCTTCAACGTCGCCGTCCTTCTGACAAACCTCTCTGAGCACATGCCCAAC-3'
Protein context (NP_001026.2, residues 4081-4101): EEFVKRFHEP[Ala4091=]KDIGFNVAVL

ClinVar aggregate classification (germline): Likely benign. Review status: criteria provided, multiple submitters, no conflicts (2 of 4 stars). 4 submissions from 4 submitters: Likely benign (4). Last evaluated 2025-05-13.

Conditions:
Cardiovascular phenotype. Identifiers: MedGen CN230736.
Catecholaminergic polymorphic ventricular tachycardia (CVPT). Also called: Catecholamine-induced polymorphic ventricular tachycardia. Identifiers: Orphanet 3286, MedGen C5574922, MONDO:0017990.
Cardiomyopathy (CMYO). Also called: Cardiomyopathies. Identifiers: Orphanet 167848, MedGen C0878544, MONDO:0004994, HP:0001638. Inheritance: Various modes of inheritance.
Catecholaminergic polymorphic ventricular tachycardia 1. Also called: VENTRICULAR TACHYCARDIA, STRESS-INDUCED POLYMORPHIC 1; RYR2-Related Catecholaminergic Polymorphic Ventricular Tachycardia; VENTRICULAR TACHYCARDIA, CATECHOLAMINERGIC POLYMORPHIC, 1, WITH OR WITHOUT ATRIAL DYSFUNCTION AND/OR DILATED CARDIOMYOPATHY. Identifiers: Orphanet 3286, MedGen C1631597, MONDO:0011484, OMIM 604772.

Allele frequency attached by ClinVar (database versions not stated): gnomAD exomes below 0.00001 and 0.00002; gnomAD 0.00001; TOPMed 0.00001.
gnomAD v4.1: 25 of 1,613,688 alleles (0.0015%); highest among the groups gnomAD compares: African/African-American, 0.0027%; no homozygotes.

Submissions (4):

Labcorp Genetics (formerly Invitae), Labcorp
Classification: Likely benign for Catecholaminergic polymorphic ventricular tachycardia 1. Last evaluated: 2025-05-13. Review status: criteria provided, single submitter. Criteria: Invitae Variant Classification Sherloc (09022015). Collection method: clinical testing. Allele origin: germline.

All of Us Research Program, National Institutes of Health
Classification: Likely benign for Catecholaminergic polymorphic ventricular tachycardia. Last evaluated: 2023-04-03. Review status: criteria provided, single submitter. Criteria: ACMG Guidelines, 2015. Collection method: clinical testing. Allele origin: germline. Inheritance: Autosomal dominant inheritance. Observed: 1 variant allele, 1 heterozygote.
Comment: This study involves interpretation of variants in research participants for the purpose of population health screening. Participant phenotype was not available at the time of variant classification. Additional details can be found in publication PMID: 35346344, PMCID: PMC8962531

Ambry Genetics
Classification: Likely benign for Cardiovascular phenotype. Last evaluated: 2022-04-21. Review status: criteria provided, single submitter. Criteria: Ambry Variant Classification Scheme 2023. Collection method: clinical testing. Allele origin: germline.

Color Diagnostics, LLC DBA Color Health
Classification: Likely benign for Cardiomyopathy. Last evaluated: 2018-11-08. Review status: criteria provided, single submitter. Criteria: ACMG Guidelines, 2015. Collection method: clinical testing. Allele origin: germline.